The following is an entry in ClinVar:

ClinVar aggregate classification (germline): Benign. Review status: criteria provided, multiple submitters, no conflicts (2 of 4 stars). 11 submissions from 11 submitters: Benign (7). 4 of the submissions do not count toward it. Last evaluated 2026-02-04.

Conditions:
HEXB POLYMORPHISM.
Sandhoff disease. Also called: Beta-hexosaminidase-beta-subunit deficiency; GM2 gangliosidosis, type 2; Total hexosaminidase deficiency; Sandhoff-Jatzkewitz-Pilz disease; GM2-GANGLIOSIDOSIS, TYPE II; HEXOSAMINIDASES A AND B DEFICIENCY. Identifiers: Orphanet 796, MedGen C0036161, MONDO:0010006, OMIM 268800.

Allele frequency attached by ClinVar (database versions not stated): 1000 Genomes Project 30x 0.12461; gnomAD 0.12644 and 0.12761; ESP Exome Variant Server 0.12748; ExAC 0.15148; gnomAD exomes 0.15711 and 0.15937; TOPMed 0.12794; 1000 Genomes Project 0.12839.
gnomAD v4.1: 241,798 of 1,569,914 alleles (15%); highest among the groups gnomAD compares: East Asian, 24%; 20,251 homozygotes.

Submissions (11):

Labcorp Genetics (formerly Invitae), Labcorp
Classification: Benign for Sandhoff disease. Last evaluated: 2026-02-04. Review status: criteria provided, single submitter. Criteria: Invitae Variant Classification Sherloc (09022015). Collection method: clinical testing. Allele origin: germline.

Genome-Nilou Lab
Classification: Benign for Sandhoff disease. Last evaluated: 2021-07-10. Review status: criteria provided, single submitter. Criteria: ACMG Guidelines, 2015. Collection method: clinical testing. Allele origin: germline. Affected: no.

Illumina Laboratory Services, Illumina
Classification: Benign for Sandhoff disease. Last evaluated: 2018-03-06. Review status: criteria provided, single submitter. Criteria: ICSL Variant Classification Criteria 13 December 2019. Collection method: clinical testing. Allele origin: germline.
Comment: This variant was observed in the ICSL laboratory as part of a predisposition screen in an ostensibly healthy population. It had not been previously curated by ICSL or reported in the Human Gene Mutation Database (HGMD: prior to June 1st, 2018), and was therefore a candidate for classification through an automated scoring system. Utilizing variant allele frequency, disease prevalence and penetrance estimates, and inheritance mode, an automated score was calculated to assess if this variant is too frequent to cause the disease. Based on the score and internal cut-off values, a variant classified as benign is not then subjected to further curation. The score for this variant resulted in a classification of benign for this disease.

Eurofins Ntd Llc (ga)
Classification: Benign. Last evaluated: 2015-07-06. Review status: criteria provided, single submitter. Criteria: EGL Classification Definitions 2015. Collection method: clinical testing. Allele origin: germline. Observed: 29 variant alleles, 21 heterozygotes, 8 homozygotes.

GeneDx
Classification: Benign. Last evaluated: 2015-03-03. Review status: criteria provided, single submitter. Criteria: GeneDx Variant Classification Process June 2021. Collection method: clinical testing. Allele origin: germline. Affected: yes.
Comment: This variant is associated with the following publications: (PMID: 12027830, 8950198, 7633435, 24263030, 9562328, 20981092, 21150067, 21228398, 1720305, 27884173, 27021291, 31428437)

Breakthrough Genomics
Classification: Benign. Review status: criteria provided, single submitter. Criteria: ACMG Guidelines, 2015. Collection method: not provided. Allele origin: germline. Inheritance: Autosomal recessive inheritance. Affected: yes.

PreventionGenetics, part of Exact Sciences
Classification: Benign. Review status: criteria provided, single submitter. Criteria: ACMG Guidelines, 2015. Collection method: clinical testing. Allele origin: germline.

Natera, Inc.
Classification: Benign for Sandhoff disease. Last evaluated: 2019-10-08. Review status: no assertion criteria provided. Collection method: clinical testing. Allele origin: germline. Not counted in ClinVar's aggregate classification.

Mayo Clinic Laboratories, Mayo Clinic
Classification: Benign. Last evaluated: 2017-03-16. Review status: no assertion criteria provided. Collection method: clinical testing. Allele origin: unknown. Not counted in ClinVar's aggregate classification.

OMIM
Classification: Benign for HEXB POLYMORPHISM. Last evaluated: 1996-11-15. Review status: no assertion criteria provided. Collection method: literature only. Allele origin: germline. Not counted in ClinVar's aggregate classification.

Genetic Services Laboratory, University of Chicago
Classification: Likely benign for AllHighlyPenetrant. Review status: no assertion criteria provided. Collection method: clinical testing. Allele origin: germline. Inheritance: Autosomal recessive inheritance. Not counted in ClinVar's aggregate classification.
Comment: Likely benign based on allele frequency in 1000 Genomes Project or ESP global frequency and its presence in a patient with a rare or unrelated disease phenotype. NOT Sanger confirmed.

Literature cited by the submitters: PubMed 7633435 (cited by OMIM); PubMed 8950198 (cited by OMIM).

NM_000521.4(HEXB):c.619A>G (p.Ile207Val)

Gene: HEXB (hexosaminidase subunit beta; plus strand). Cytogenetic location: 5q13.3.
Variant type: single nucleotide variant.
Coding change: c.619A>G on transcript NM_000521.4 (MANE Select); coding-DNA position 619, A replaced by G.
Protein change: p.Ile207Val; replaces isoleucine 207 with valine.
Molecular consequence: missense variant. On other transcripts: 5 prime UTR variant (1).
Genome position (GRCh38, 1-based): chr5:74,697,056, A>G. VCF-style: chr5-74697056-A-G. GRCh37 (hg19) VCF-style: chr5-73992881-A-G.
Other names: c.-57A>G (NM_001292004.2); short protein forms I207V.
Identifiers: ClinVar variation 93202 (VCV000093202.30), dbSNP rs10805890, ClinGen allele CA146739.